The following is an entry in ClinVar:

NM_014587.5(SOX8):c.1284C>T (p.Ala428=)

Gene: SOX8 (SRY-box transcription factor 8; plus strand). Cytogenetic location: 16p13.3.
Variant type: single nucleotide variant.
Coding change: c.1284C>T on transcript NM_014587.5 (MANE Select); coding-DNA position 1284, C replaced by T.
Protein change: p.Ala428=; no amino-acid change (alanine 428 retained).
Molecular consequence: synonymous variant.
Genome position (GRCh38, 1-based): chr16:985,329, C>T. VCF-style: chr16-985329-C-T. GRCh37 (hg19) VCF-style: chr16-1035329-C-T.
Identifiers: ClinVar variation 3035751 (VCV003035751.2), dbSNP rs374897868, ClinGen allele CA7798417.

ClinVar aggregate classification (germline): Likely benign (0 of 4 stars; one submission).

Conditions:
SOX8-related disorder. Also called: SOX8-related condition.

Allele frequency attached by ClinVar (database versions not stated): gnomAD exomes 0.00003; ExAC 0.00016; ESP Exome Variant Server 0.00039; gnomAD 0.00050; TOPMed 0.00060.
gnomAD v4.1: 127 of 1,596,788 alleles (0.008%); highest among the groups gnomAD compares: African/African-American, 0.14%; 1 homozygote.

Submission:

PreventionGenetics, part of Exact Sciences
Classification: Likely benign for SOX8-related condition. Last evaluated: 2019-08-09. Review status: no assertion criteria provided. Collection method: clinical testing. Allele origin: germline.
Comment: This variant is classified as likely benign based on ACMG/AMP sequence variant interpretation guidelines (Richards et al. 2015 PMID: 25741868, with internal and published modifications).